The following is an entry in ClinVar:

ClinVar aggregate classification (germline): Uncertain significance (1 of 4 stars; one submission).

Conditions:
DNAJC7-related condition.

Submission:

PreventionGenetics, part of Exact Sciences
Classification: Uncertain significance for DNAJC7-related condition. Last evaluated: 2024-12-10. Review status: criteria provided, single submitter. Criteria: ACMG Guidelines, 2015. Collection method: clinical testing. Allele origin: germline.
Comment: The DNAJC7 c.572G>A variant is predicted to result in the amino acid substitution p.Arg191His. To our knowledge, this variant has not been reported in the literature. This variant is reported in 0.0029% of alleles in individuals of Latino descent in gnomAD. At this time, the clinical significance of this variant is uncertain due to the absence of conclusive functional and genetic evidence.

NM_003315.4(DNAJC7):c.572G>A (p.Arg191His)

Gene: DNAJC7 (DnaJ heat shock protein family (Hsp40) member C7; minus strand). Cytogenetic location: 17q21.2.
Variant type: single nucleotide variant.
Coding change: c.572G>A on transcript NM_003315.4 (MANE Select); coding-DNA position 572, G replaced by A.
Protein change: p.Arg191His; replaces arginine 191 with histidine.
Molecular consequence: missense variant. On other transcripts: non-coding transcript variant (1).
Genome position (GRCh38, 1-based): chr17:41,990,291, C>T on the plus strand (G>A on the coding strand, the complement: DNAJC7 is on the minus strand). VCF-style: chr17-41990291-C-T. GRCh37 (hg19) VCF-style: chr17-40142309-C-T.
Other names: c.404G>A, p.Arg135His (NM_001144766.3); short protein forms R135H, R191H.
Identifiers: ClinVar variation 4978759 (VCV004978759.1).
Genomic context (GRCh38, chr17:41,990,291, plus strand): 5'-GCATTTTAATGTCCAGCTAGCCTGACTGCATACCTAGCCACAGACTGTGCTTCTGGATAA[C>T]GACCCAGCATTGCTAAACATTCTGCCTTGAGGATTTTGAAGCGATGGCAGGCAGGGGCAA-3'
Protein context (NP_003306.3, residues 181-201): LKAECLAMLG[Arg191His]YPEAQSVASD